The following is an entry in ClinVar:

NM_001378609.3(OTOGL):c.6402G>T (p.Leu2134Phe)

Gene: OTOGL (otogelin like; plus strand). Cytogenetic location: 12q21.31.
Variant type: single nucleotide variant.
Coding change: c.6402G>T on transcript NM_001378609.3 (MANE Select); coding-DNA position 6402, G replaced by T.
Protein change: p.Leu2134Phe; replaces leucine 2134 with phenylalanine.
Molecular consequence: missense variant.
Genome position (GRCh38, 1-based): chr12:80,367,631, G>T. VCF-style: chr12-80367631-G-T. GRCh37 (hg19) VCF-style: chr12-80761411-G-T.
Other names: c.6267G>T, p.Leu2089Phe (NM_001368062.3); c.6402G>T, p.Leu2134Phe (NM_001378610.3, NM_173591.7); short protein forms L2125F, L2089F, L2134F.
Identifiers: ClinVar variation 226968 (VCV000226968.15), dbSNP rs11114416, ClinGen allele CA6702033.
Genomic context (GRCh38, chr12:80,367,631, plus strand): 5'-TGTGTGTGTATTTCAAGAAGTATCAGTATTGAATCCTGGACAATCCATGATAAAGTATTT[G>T]GAAGAAGACTTTTGTTATGCTATAGAGTGTCTGGAAGAAAAAGATAACCATACGGGCTTT-3'
Protein context (NP_001365538.2, residues 2124-2144): LNPGQSMIKY[Leu2134Phe]EEDFCYAIEC

ClinVar aggregate classification (germline): Benign. Review status: criteria provided, multiple submitters, no conflicts (2 of 4 stars). 5 submissions from 5 submitters: Benign (5). Last evaluated 2026-02-03.

Allele frequency attached by ClinVar (database versions not stated): gnomAD 0.18370 and 0.18446; TOPMed 0.19192; ESP Exome Variant Server 0.18908; 1000 Genomes Project 0.16993; 1000 Genomes Project 30x 0.17333.
gnomAD v4.1: 289,365 of 1,534,542 alleles (19%); highest among the groups gnomAD compares: Middle Eastern, 21%; 28,595 homozygotes.

Submissions (5):

Labcorp Genetics (formerly Invitae), Labcorp
Classification: Benign. Last evaluated: 2026-02-03. Review status: criteria provided, single submitter. Criteria: Invitae Variant Classification Sherloc (09022015). Collection method: clinical testing. Allele origin: germline.

Mayo Clinic Laboratories, Mayo Clinic
Classification: Benign. Last evaluated: 2020-10-20. Review status: criteria provided, single submitter. Criteria: ACMG Guidelines, 2015. Collection method: clinical testing. Allele origin: germline. Observed: 66 variant alleles.

GeneDx
Classification: Benign. Last evaluated: 2017-05-09. Review status: criteria provided, single submitter. Criteria: GeneDx Variant Classification (06012015). Collection method: clinical testing. Allele origin: germline. Affected: yes.
Comment: This variant is considered likely benign or benign based on one or more of the following criteria: it is a conservative change, it occurs at a poorly conserved position in the protein, it is predicted to be benign by multiple in silico algorithms, and/or has population frequency not consistent with disease.

Laboratory for Molecular Medicine, Mass General Brigham Personalized Medicine
Classification: Benign. Last evaluated: 2014-11-24. Review status: criteria provided, single submitter. Criteria: LMM Criteria. Collection method: clinical testing. Allele origin: germline. Observed: 348 variant alleles.
Comment: Leu2125Phe in exon 53 of OTOGL: This variant is not expected to have clinical si gnificance because it has been identified in 19.2% (1648/8584) of European Ameri can chromosomes from a broad population by the NHLBI Exome Sequencing Project (dbSNP rs11114416).

Breakthrough Genomics
Classification: Benign. Review status: criteria provided, single submitter. Criteria: ACMG Guidelines, 2015. Collection method: not provided. Allele origin: germline. Inheritance: Autosomal recessive inheritance. Affected: yes.